The following is an entry in ClinVar:

ClinVar aggregate classification (germline): Pathogenic. Review status: criteria provided, multiple submitters, no conflicts (2 of 4 stars). 7 submissions from 6 submitters: Pathogenic (5). 2 of the submissions do not count toward it. Last evaluated 2025-08-07.

Conditions:
Hemoglobinopathy. Also called: Haemoglobinopathies; Hemoglobin disorder. Identifiers: MedGen C0019045, MONDO:0044348.
Heinz body anemia. Also called: Heinz body hemolytic anemia. Identifiers: Orphanet 178330, MedGen C0700299, MONDO:0007705, OMIM 140700, HP:0005511.
beta Thalassemia (BTHAL). Also called: Cooley's anemia; Erythroblastic anemia; Mediterranean anemia. Identifiers: Orphanet 848, MedGen C0005283, MONDO:0019402. Disease mechanism: loss of function.

Allele frequency attached by ClinVar (database versions not stated): gnomAD exomes below 0.00001.
gnomAD v4.1: 2 of 1,614,112 alleles (0.00012%); highest among the groups gnomAD compares: Non-Finnish European, 0.00017%; no homozygotes.

Submissions (7):

Natera, Inc.
Classification: Pathogenic for Beta thalassemia. Last evaluated: 2025-08-07. Review status: criteria provided, single submitter. Criteria: Natera Variant Classification Schema (03/2026). Collection method: clinical testing. Allele origin: germline.
Comment: The c.295G>A variant in HBB is a missense variant predicted to cause substitution of valine to methionine at amino acid 99. This variant is rare in the general population with a frequency below the threshold expected for the associated phenotype(s). This variant has been observed in one or more individuals affected with the associated recessive disease, as either homozygous or compound heterozygous with a second variant (PMID: 31424305). This variant has been observed in affected individual(s) with monoallelic occurrence (heterozygous/hemizygous) (PMID: 8168595, 14198723, 1917535, 19038075). This variant has been observed to segregate in affected family members (PMID: 6853709, 14198723). Computational prediction algorithms indicate this variant is likely to affect gene or protein function. Given the available evidence, this variant is classified as Pathogenic.

ARUP Laboratories, Molecular Genetics and Genomics, ARUP Laboratories
Classification: Pathogenic. Last evaluated: 2025-06-20. Review status: criteria provided, single submitter. Criteria: ARUP Molecular Germline Variant Investigation Process 2024. Collection method: clinical testing. Allele origin: germline.
Comment: The Hb Koln variant (HBB: c.295G>A; p.Val99Met, also known as Val98Met when numbered from the mature protein, rs33933298, HbVar ID: 448) is reported in the literature in multiple families diagnosed with mild hemolytic anemia, including several de novo cases, and is associated with Heinz body formation and splenomegaly (Hutchinson 1964, Jackson 1967, Jones, 1967, Landin 1994, Miller 1971, Stamatoyannopoulos 1981, HbVar database and references therein). Clinical symptoms are present in heterozygous individuals, and the variant co-segregates with disease in an autosomal dominant manner (Hutchinson 1964, Jackson 1967). In addition, this variant has been found in an individual with a beta(0) thalassemia variant who was reported to have almost pure Hb Koln in red blood cells and hemolytic anemia, but did not require blood transfusions or splenectomy (Galacteros 1989). This variant is listed in ClinVar (Variation ID: 15241), and is only observed on one allele in the Genome Aggregation Database, indicating it is not a common polymorphism. Functional analyses of the variant protein show decreased stability and an increase in the formation of inclusion bodies in red blood cells (Jones 1967, Miller 1971). Based on available information, this variant is considered to be pathogenic. References: HbVar link for HbVar: Galacteros F et al. Hemoglobin KÃ¶ln occurring in association with a beta zero thalassemia: hematologic and functional consequences. Blood. 1989 Jul;74(1):496-500. Hutchinson HE et al. Hereditary Heinz-body anaemia, thrombocytopenia, and haemogloblinopathy (Hb Koeln) in a Glasgow family. Br Med J. 1964 Oct 31;2(5417):1099-103. Jackson JM et al. A West Australian family with a haemolytic disorder associated with haemoglobin Koln. Br J Haematol. 1967 Jul;13(4):474-81. Jones RV et al. Koln haemoglobinopathy. Further data and a comparison with other hereditary Heinz body anaemias. Br J Haematol. 1967 May;13(3):394-408. Landin B et al. Haemoglobin KÃ¶ln as de novo mutations in Sweden: diagnosis by PCR and specific enzymatic cleavage. Eur J Haematol. 1994 Mar;52(3):156-61. Miller DR et al. Hemoglobin Koln disease occurring as a fresh mutation: erythrocyte metabolism and survival. Blood. 1971 Dec;38(6):715-29.

Center for Genomic Medicine, Rigshospitalet, Copenhagen University Hospital
Classification: Pathogenic. Last evaluated: 2025-03-04. Review status: criteria provided, single submitter. Criteria: ACMG Guidelines, 2015. Collection method: clinical testing. Allele origin: germline.

CeGaT Center for Human Genetics Tuebingen
Classification: Pathogenic. Last evaluated: 2025-02-01. Review status: criteria provided, single submitter. Criteria: CeGaT Center For Human Genetics Tuebingen Variant Classification Criteria Version 2. Collection method: clinical testing. Allele origin: germline. Affected: yes. Observed: 1 variant allele.
Comment: HBB: PM1, PM2, PM5, PS4:Moderate, PS2:Supporting, PS3:Supporting

Women's Health and Genetics/Laboratory Corporation of America, LabCorp
Classification: Pathogenic for Hemoglobinopathy. Last evaluated: 2019-10-04. Review status: criteria provided, single submitter. Criteria: LabCorp Variant Classification Summary - May 2015. Collection method: clinical testing. Allele origin: germline.
Comment: Variant summary: HBB c.295G>A (p.Val99Met; also known as Hb Koln) results in a conservative amino acid change located in the Globin domain of the encoded protein sequence. Four of five in-silico tools predict a damaging effect of the variant on protein function. The variant allele was found at a frequency of 4e-06 in 251394 control chromosomes (gnomAD). c.295G>A has been reported in the literature in heterozygous and compound heterozygous individuals presenting with clinical symptoms of Hemoglobinopathy and was observed to co-segregate with disease in an autosomal dominant manner (Chan_2010, Galacteros_1989, Huang_2011, Miller_1971). The occurrence of unstable hemoglobin and the presence of increased levels of reticulocytosis and Heinz bodies in those carrying the variant was described by a few of these studies. Several reports described the variant as the most common unstable hemoglobin (e.g. Coleman_1995). These data indicate that the variant is very likely to be associated with disease. A ClinVar submitter (evaluation after 2014) cites the variant as pathogenic. Based on the evidence outlined above, the variant was classified as pathogenic.

OMIM
Classification: Pathogenic for HEMOGLOBIN KOLN. Last evaluated: 2017-12-12. Review status: no assertion criteria provided. Collection method: literature only. Allele origin: germline. Not counted in ClinVar's aggregate classification.

OMIM
Classification: Pathogenic for HEINZ BODY HEMOLYTIC ANEMIA. Last evaluated: 1995-03-01. Review status: no assertion criteria provided. Collection method: literature only. Allele origin: germline. Not counted in ClinVar's aggregate classification.

Literature cited by the submitters: PubMed 31424305 (cited by Natera, Inc.); PubMed 8168595 (cited by Natera, Inc.); PubMed 14198723 (cited by Natera, Inc. and OMIM); PubMed 1917535 (cited by Natera, Inc.); PubMed 19038075 (cited by Natera, Inc.); PubMed 6853709 (cited by Natera, Inc.); PubMed 4942314 (cited by 3 submitters); PubMed 7860732 (cited by Women's Health and Genetics/Laboratory Corporation of America, LabCorp); PubMed 20395516 (cited by Women's Health and Genetics/Laboratory Corporation of America, LabCorp); PubMed 20309827 (cited by Women's Health and Genetics/Laboratory Corporation of America, LabCorp); PubMed 27207683 (cited by Women's Health and Genetics/Laboratory Corporation of America, LabCorp); PubMed 5059650 (cited by Women's Health and Genetics/Laboratory Corporation of America, LabCorp); PubMed 21523319 (cited by Women's Health and Genetics/Laboratory Corporation of America, LabCorp); PubMed 2752127 (cited by Women's Health and Genetics/Laboratory Corporation of America, LabCorp); PubMed 5856115 (cited by OMIM); PubMed 5881530 (cited by OMIM); Pribilla, W. Thalassemie-aehnliche Erkrankung mit neuem minor-Hb (Hb Koln). In: Lehmann, H., Betke, K. Haemoglobin-Colloquium. Stuttgart: Georg Thieme Verlag (pub.) 1-14, 1962. (cited by OMIM); PubMed 6050213 (cited by OMIM); PubMed 6029950 (cited by OMIM); PubMed 6067323 (cited by OMIM); Woodson, R. D., Heywood, J. D., Lenfant, C. Oxygen transport in hemoglobin San Francisco. Clin. Res. 18: 134, 1970. (cited by OMIM); PubMed 5079107 (cited by OMIM); PubMed 4514958 (cited by OMIM); Bradley, T. B., Wohl, R. C., Murphy, S. B., Oski, F. A., Bunn, H. F. Properties of hemoglobin Bryn Mawr, beta85 phe-to-ser, a new spontaneous mutation producing an unstable hemoglobin with high oxygen affinity. (Abstract) Blood 40: 947, 1972. (cited by OMIM); PubMed 3768534 (cited by OMIM); PubMed 7864023 (cited by OMIM); PubMed 88735 (cited by OMIM).

NM_000518.5(HBB):c.295G>A (p.Val99Met)

Genes: HBB (hemoglobin subunit beta; minus strand), LOC106099062 (HBB recombination region; plus strand), LOC107133510 (origin of replication at HBB; plus strand). Cytogenetic location: 11p15.4.
Variant type: single nucleotide variant.
Coding change: c.295G>A on transcript NM_000518.5 (MANE Select); coding-DNA position 295, G replaced by A.
Protein change: p.Val99Met; replaces valine 99 with methionine.
Molecular consequence: missense variant.
Genome position (GRCh38, 1-based): chr11:5,226,597, C>T on the plus strand (G>A on the coding strand, the complement: HBB is on the minus strand). VCF-style: chr11-5226597-C-T. GRCh37 (hg19) VCF-style: chr11-5247827-C-T.
Other names: V98M; Hb Köln; Hb San Francisco (Pacific); Hb Ube-1; short protein forms V99M.
Identifiers: ClinVar variation 15241 (VCV000015241.33), dbSNP rs33933298, ClinGen allele CA124987.